The following is an entry in ClinVar:

ClinVar aggregate classification (germline): Likely benign (0 of 4 stars; one submission).

Conditions:
CDH19-related disorder. Also called: CDH19-related condition.

Allele frequency attached by ClinVar (database versions not stated): gnomAD 0.00009; 1000 Genomes Project 30x 0.00016; 1000 Genomes Project 0.00020; TOPMed 0.00039; ExAC 0.00069.

Submission:

PreventionGenetics, part of Exact Sciences
Classification: Likely benign for CDH19-related condition. Last evaluated: 2020-03-18. Review status: no assertion criteria provided. Collection method: clinical testing. Allele origin: germline.
Comment: This variant is classified as likely benign based on ACMG/AMP sequence variant interpretation guidelines (Richards et al. 2015 PMID: 25741868, with internal and published modifications).

NM_021153.4(CDH19):c.478A>T (p.Met160Leu)

Gene: CDH19 (cadherin 19; minus strand). Cytogenetic location: 18q22.1.
Variant type: single nucleotide variant.
Coding change: c.478A>T on transcript NM_021153.4 (MANE Select); coding-DNA position 478, A replaced by T.
Protein change: p.Met160Leu; replaces methionine 160 with leucine.
Molecular consequence: missense variant. On other transcripts: non-coding transcript variant (1).
Genome position (GRCh38, 1-based): chr18:66,568,428, T>A on the plus strand (A>T on the coding strand, the complement: CDH19 is on the minus strand). VCF-style: chr18-66568428-T-A. GRCh37 (hg19) VCF-style: chr18-64235665-T-A.
Other names: c.478A>T, p.Met160Leu (NM_001271028.2); short protein forms M160L.
Identifiers: ClinVar variation 3034310 (VCV003034310.2), dbSNP rs192921997, ClinGen allele CA8992184.